The following is an entry in ClinVar:

NM_002637.4(PHKA1):c.1222A>G (p.Ile408Val)

Gene: PHKA1 (phosphorylase kinase regulatory subunit alpha 1; minus strand). Cytogenetic location: Xq13.1.
Variant type: single nucleotide variant.
Coding change: c.1222A>G on transcript NM_002637.4 (MANE Select); coding-DNA position 1222, A replaced by G.
Protein change: p.Ile408Val; replaces isoleucine 408 with valine.
Molecular consequence: missense variant.
Genome position (GRCh38, 1-based): chrX:72,652,567, T>C on the plus strand (A>G on the coding strand, the complement: PHKA1 is on the minus strand). VCF-style: chrX-72652567-T-C. GRCh37 (hg19) VCF-style: chrX-71872417-T-C.
Other names: c.1222A>G, p.Ile408Val (NM_001122670.2, NM_001172436.2); short protein forms I408V.
Identifiers: ClinVar variation 2708065 (VCV002708065.3), dbSNP rs2147760351, ClinGen allele CA413593050.

ClinVar aggregate classification (germline): Uncertain significance (1 of 4 stars; one submission).

Conditions:
Glycogen storage disease IXd (GSD9D). Also called: GSD IXd; Muscle Phosphorylase Kinase Deficiency. Identifiers: Orphanet 715, MedGen C1845151, MONDO:0010362, OMIM 300559.

Submission:

Labcorp Genetics (formerly Invitae), Labcorp
Classification: Uncertain significance for Glycogen storage disease IXd. Last evaluated: 2024-01-26. Review status: criteria provided, single submitter. Criteria: Invitae Variant Classification Sherloc (09022015). Collection method: clinical testing. Allele origin: germline.
Comment: This sequence change replaces isoleucine, which is neutral and non-polar, with valine, which is neutral and non-polar, at codon 408 of the PHKA1 protein (p.Ile408Val). This variant is not present in population databases (gnomAD no frequency). This variant has not been reported in the literature in individuals affected with PHKA1-related conditions. Advanced modeling of protein sequence and biophysical properties (such as structural, functional, and spatial information, amino acid conservation, physicochemical variation, residue mobility, and thermodynamic stability) performed at Invitae indicates that this missense variant is not expected to disrupt PHKA1 protein function with a negative predictive value of 80%. In summary, the available evidence is currently insufficient to determine the role of this variant in disease. Therefore, it has been classified as a Variant of Uncertain Significance.